The following is an entry in ClinVar:

ClinVar aggregate classification (germline): Pathogenic/Likely pathogenic. Review status: criteria provided, multiple submitters, no conflicts (2 of 4 stars). 3 submissions from 3 submitters: Pathogenic (1); Likely pathogenic (2). Last evaluated 2025-01-31.

Conditions:
Bardet-Biedl syndrome (BBS). Identifiers: Orphanet 110, MedGen C0752166, MONDO:0015229.
Bardet-Biedl syndrome 4 (BBS4). Identifiers: Orphanet 110, MedGen C2936864, MONDO:0014433, OMIM 615982.
BBS4-related disorder. Also called: BBS4-related condition.

Allele frequency attached by ClinVar (database versions not stated): gnomAD exomes below 0.00001; ExAC 0.00002.
gnomAD v4.1: 3 of 1,584,604 alleles (0.00019%); highest among the groups gnomAD compares: Admixed American, 0.005%; no homozygotes.

Submissions (3):

PreventionGenetics, part of Exact Sciences
Classification: Likely pathogenic for BBS4-related condition. Last evaluated: 2025-01-31. Review status: criteria provided, single submitter. Criteria: ACMG Guidelines, 2015. Collection method: clinical testing. Allele origin: germline.
Comment: The BBS4 c.76+2T>C variant is predicted to disrupt the GT donor site and interfere with normal splicing. To our knowledge, this variant has not been reported in the literature. A similar variant impacting the same splice site has been reported in the compound heterozygous state in two individuals with Bardet-Biedl Syndrome (c.76+1G>T, Mary et al. 2019. PubMed ID: 30614526). This variant is reported in 0.0058% of alleles in individuals of Latino descent in gnomAD. Variants that disrupt the consensus splice donor site in BBS4 are expected to be pathogenic. This variant is interpreted as likely pathogenic.

Labcorp Genetics (formerly Invitae), Labcorp
Classification: Pathogenic for Bardet-Biedl syndrome. Last evaluated: 2024-08-05. Review status: criteria provided, single submitter. Criteria: Invitae Variant Classification Sherloc (09022015). Collection method: clinical testing. Allele origin: germline.
Comment: This sequence change affects a donor splice site in intron 2 of the BBS4 gene. It is expected to disrupt RNA splicing. Variants that disrupt the donor or acceptor splice site typically lead to a loss of protein function (PMID: 16199547), and loss-of-function variants in BBS4 are known to be pathogenic (PMID: 11381270, 12016587, 20177705, 27894351). This variant is present in population databases (rs766665064, gnomAD 0.006%). Disruption of this splice site has been observed in individuals with clinical features of Bardet-Biedl syndrome (PMID: 30614526; Invitae). ClinVar contains an entry for this variant (Variation ID: 2058675). Algorithms developed to predict the effect of sequence changes on RNA splicing suggest that this variant may disrupt the consensus splice site. For these reasons, this variant has been classified as Pathogenic.

Fulgent Genetics
Classification: Likely pathogenic for Bardet-Biedl syndrome 4. Last evaluated: 2024-01-04. Review status: criteria provided, single submitter. Criteria: ACMG Guidelines, 2015. Collection method: clinical testing. Allele origin: germline.

Literature cited by the submitters: PubMed 16199547 (cited by Labcorp Genetics (formerly Invitae), Labcorp); PubMed 11381270 (cited by Labcorp Genetics (formerly Invitae), Labcorp); PubMed 12016587 (cited by Labcorp Genetics (formerly Invitae), Labcorp); PubMed 20177705 (cited by Labcorp Genetics (formerly Invitae), Labcorp); PubMed 27894351 (cited by Labcorp Genetics (formerly Invitae), Labcorp); PubMed 30614526 (cited by Labcorp Genetics (formerly Invitae), Labcorp).

NM_033028.5(BBS4):c.76+2T>C

Gene: BBS4 (Bardet-Biedl syndrome 4; plus strand). Cytogenetic location: 15q24.1.
Variant type: single nucleotide variant.
Coding change: c.76+2T>C on transcript NM_033028.5 (MANE Select); the canonical splice donor site of the intron after coding-DNA position 76, T replaced by C.
Molecular consequence: splice donor variant. On other transcripts: intron variant (1).
Genome position (GRCh38, 1-based): chr15:72,695,230, T>C. VCF-style: chr15-72695230-T-C. GRCh37 (hg19) VCF-style: chr15-72987571-T-C.
Other names: c.76+2T>C (NM_033028.4, NM_001320665.2); c.-446+8979T>C (NM_001252678.2).
Identifiers: ClinVar variation 2058675 (VCV002058675.6), dbSNP rs766665064, ClinGen allele CA7646463.
Genomic context (GRCh38, chr15:72,695,230, plus strand): 5'-ATTTCAGAGAACTCAATTTCCTGTATCTACTGAGTCTCAAAAACCCCGGCAGAAAAAAGG[T>C]CTGTATGCAGTTTCATGGTATGTGTATGTTTGCACAGACAGATTTCTCTTTTATTTATTT-3'